The following is an entry in ClinVar:

NM_001035.3(RYR2):c.5225A>G (p.Glu1742Gly)

Gene: RYR2 (ryanodine receptor 2; plus strand). Cytogenetic location: 1q43.
Variant type: single nucleotide variant.
Coding change: c.5225A>G on transcript NM_001035.3 (MANE Select); coding-DNA position 5225, A replaced by G.
Protein change: p.Glu1742Gly; replaces glutamic acid 1742 with glycine.
Molecular consequence: missense variant.
Genome position (GRCh38, 1-based): chr1:237,614,353, A>G. VCF-style: chr1-237614353-A-G. GRCh37 (hg19) VCF-style: chr1-237777653-A-G.
Other names: short protein forms E1742G.
Identifiers: ClinVar variation 919160 (VCV000919160.5), dbSNP rs751634430, ClinGen allele CA086851.

ClinVar aggregate classification (germline): Uncertain significance (1 of 4 stars; one submission).

Conditions:
Cardiomyopathy (CMYO). Also called: Cardiomyopathies. Identifiers: Orphanet 167848, MedGen C0878544, MONDO:0004994, HP:0001638. Inheritance: Various modes of inheritance.

Allele frequency attached by ClinVar (database versions not stated): gnomAD exomes below 0.00001; ExAC 0.00001.
gnomAD v4.1: 2 of 1,614,044 alleles (0.00012%); highest among the groups gnomAD compares: Non-Finnish European, 0.00017%; no homozygotes.

Submission:

Color Diagnostics, LLC DBA Color Health
Classification: Uncertain significance for Cardiomyopathy. Last evaluated: 2023-12-04. Review status: criteria provided, single submitter. Criteria: ACMG Guidelines, 2015. Collection method: clinical testing. Allele origin: germline.
Comment: Variant of Uncertain Significance due to insufficient evidence: This missense variant is located in the cytoplasmic domain of the RYR2 protein. Computational prediction tools and conservation analyses are inconclusive regarding the impact of this variant on the protein function. Computational splicing tools suggest that this variant may not impact RNA splicing. To our knowledge, functional assays have not been performed for this variant nor has this variant been reported in individuals affected with cardiovascular disorders in the literature. This variant has been identified in 1/245860 chromosomes in the general population by the Genome Aggregation Database (gnomAD). Available evidence is insufficient to determine the pathogenicity of this variant conclusively.